The following is an entry in ClinVar:

NM_014017.4(LAMTOR2):c.14A>G (p.Lys5Arg)

Gene: LAMTOR2 (late endosomal/lysosomal adaptor, MAPK and MTOR activator 2; plus strand). Cytogenetic location: 1q22.
Variant type: single nucleotide variant.
Coding change: c.14A>G on transcript NM_014017.4 (MANE Select); coding-DNA position 14, A replaced by G.
Protein change: p.Lys5Arg; replaces lysine 5 with arginine.
Molecular consequence: missense variant.
Genome position (GRCh38, 1-based): chr1:156,054,903, A>G. VCF-style: chr1-156054903-A-G. GRCh37 (hg19) VCF-style: chr1-156024694-A-G.
Other names: c.14A>G, p.Lys5Arg (NM_001145264.2); short protein forms K5R.
Identifiers: ClinVar variation 2120587 (VCV002120587.4), dbSNP rs1350159826, ClinGen allele CA342814533.

ClinVar aggregate classification (germline): Uncertain significance (1 of 4 stars; one submission).

Allele frequency attached by ClinVar (database versions not stated): gnomAD exomes below 0.00001; TOPMed 0.00001.

Submission:

Labcorp Genetics (formerly Invitae), Labcorp
Classification: Uncertain significance. Last evaluated: 2023-05-16. Review status: criteria provided, single submitter. Criteria: Invitae Variant Classification Sherloc (09022015). Collection method: clinical testing. Allele origin: germline.
Comment: In summary, the available evidence is currently insufficient to determine the role of this variant in disease. Therefore, it has been classified as a Variant of Uncertain Significance. An algorithm developed to predict the effect of missense changes on protein structure and function (PolyPhen-2) suggests that this variant is likely to be tolerated. ClinVar contains an entry for this variant (Variation ID: 2120587). This variant has not been reported in the literature in individuals affected with LAMTOR2-related conditions. The frequency data for this variant in the population databases is considered unreliable, as metrics indicate poor data quality at this position in the gnomAD database. This sequence change replaces lysine, which is basic and polar, with arginine, which is basic and polar, at codon 5 of the LAMTOR2 protein (p.Lys5Arg).